The following is an entry in ClinVar:

NM_001458.5(FLNC):c.4519C>G (p.Pro1507Ala)

Gene: FLNC (filamin C; plus strand). Cytogenetic location: 7q32.1.
Variant type: single nucleotide variant.
Coding change: c.4519C>G on transcript NM_001458.5 (MANE Select); coding-DNA position 4519, C replaced by G.
Protein change: p.Pro1507Ala; replaces proline 1507 with alanine.
Molecular consequence: missense variant.
Genome position (GRCh38, 1-based): chr7:128,848,007, C>G. VCF-style: chr7-128848007-C-G. GRCh37 (hg19) VCF-style: chr7-128488061-C-G.
Other names: c.4519C>G, p.Pro1507Ala (NM_001127487.2); short protein forms P1507A.
Identifiers: ClinVar variation 2945256 (VCV002945256.3), dbSNP rs2536646521, ClinGen allele CA369201931.

ClinVar aggregate classification (germline): Uncertain significance (1 of 4 stars; one submission).

Conditions:
Myofibrillar myopathy 5. Also called: Filaminopathy (type); FILAMINOPATHY, AUTOSOMAL DOMINANT. Identifiers: Orphanet 171445, MedGen C1836050, MONDO:0012289, OMIM 609524.
Hypertrophic cardiomyopathy 26. Also called: Cardiomyopathy, familial hypertrophic, 26. Identifiers: Orphanet 75249, MedGen C4310749, MONDO:0014883, OMIM 617047.
Distal myopathy with posterior leg and anterior hand involvement. Also called: WILLIAMS DISTAL MYOPATHY. Identifiers: Orphanet 63273, MedGen C3279722, MONDO:0013550, OMIM 614065.

Submission:

Labcorp Genetics (formerly Invitae), Labcorp
Classification: Uncertain significance for Distal myopathy with posterior leg and anterior hand involvement; Myofibrillar myopathy 5; Hypertrophic cardiomyopathy 26. Last evaluated: 2023-03-13. Review status: criteria provided, single submitter. Criteria: Invitae Variant Classification Sherloc (09022015). Collection method: clinical testing. Allele origin: germline.
Comment: In summary, the available evidence is currently insufficient to determine the role of this variant in disease. Therefore, it has been classified as a Variant of Uncertain Significance. Advanced modeling of protein sequence and biophysical properties (such as structural, functional, and spatial information, amino acid conservation, physicochemical variation, residue mobility, and thermodynamic stability) has been performed at Invitae for this missense variant, however the output from this modeling did not meet the statistical confidence thresholds required to predict the impact of this variant on FLNC protein function. This variant has not been reported in the literature in individuals affected with FLNC-related conditions. This variant is not present in population databases (gnomAD no frequency). This sequence change replaces proline, which is neutral and non-polar, with alanine, which is neutral and non-polar, at codon 1507 of the FLNC protein (p.Pro1507Ala).